The following is an entry in ClinVar:

ClinVar aggregate classification (germline): Uncertain significance (1 of 4 stars; one submission).

Conditions:
Hereditary cancer-predisposing syndrome. Also called: Hereditary neoplastic syndrome; Tumor predisposition; Hereditary Cancer Syndrome; Neoplastic Syndromes, Hereditary. Identifiers: Orphanet 140162, MedGen C0027672, MeSH D009386, MONDO:0015356.

Submission:

Ambry Genetics
Classification: Uncertain significance for Hereditary cancer-predisposing syndrome. Last evaluated: 2023-09-05. Review status: criteria provided, single submitter. Criteria: Ambry Variant Classification Scheme 2023. Collection method: clinical testing. Allele origin: germline.
Comment: The p.K865E variant (also known as c.2593A>G), located in coding exon 9 of the BRCA1 gene, results from an A to G substitution at nucleotide position 2593. The lysine at codon 865 is replaced by glutamic acid, an amino acid with similar properties. This amino acid position is well conserved in available vertebrate species. In addition, this alteration is predicted to be deleterious by in silico analysis. Since supporting evidence is limited at this time, the clinical significance of this alteration remains unclear.

NM_007294.4(BRCA1):c.2593A>G (p.Lys865Glu)

Gene: BRCA1 (BRCA1 DNA repair associated; minus strand). Cytogenetic location: 17q21.31.
Variant type: single nucleotide variant.
Coding change: c.2593A>G on transcript NM_007294.4 (MANE Select); coding-DNA position 2593, A replaced by G.
Protein change: p.Lys865Glu; replaces lysine 865 with glutamic acid.
Molecular consequence: missense variant. On other transcripts: intron variant (137).
Genome position (GRCh38, 1-based): chr17:43,092,938, T>C on the plus strand (A>G on the coding strand, the complement: BRCA1 is on the minus strand). VCF-style: chr17-43092938-T-C. GRCh37 (hg19) VCF-style: chr17-41244955-T-C.
Other names: c.2380A>G, p.Lys794Glu (NM_001407571.1, NM_001407853.1, NM_001407894.1 and 9 more transcripts); c.2593A>G, p.Lys865Glu (NM_001407581.1, NM_001407582.1, NM_001407583.1 and 30 more transcripts); c.2590A>G, p.Lys864Glu (NM_001407587.1, NM_001407590.1, NM_001407591.1 and 22 more transcripts); c.2584A>G, p.Lys862Glu (NM_001407646.1, NM_001407647.1); c.2470A>G, p.Lys824Glu (NM_001407648.1, NM_001407664.1, NM_001407665.1 and 19 more transcripts); c.2467A>G, p.Lys823Glu (NM_001407649.1, NM_001407670.1, NM_001407671.1 and 11 more transcripts); c.2515A>G, p.Lys839Glu (NM_001407653.1, NM_001407654.1, NM_001407655.1 and 4 more transcripts); c.2512A>G, p.Lys838Glu (NM_001407659.1, NM_001407660.1, NM_001407661.1 and 1 more transcripts); and 41 more; short protein forms K738E, K797E, K818E, K824E, K697E, K753E, K754E, K776E.
Identifiers: ClinVar variation 2585852 (VCV002585852.2), dbSNP rs587782628, ClinGen allele CA10596807.